The following is an entry in ClinVar:

ClinVar aggregate classification (germline): Uncertain significance (1 of 4 stars; one submission).

Conditions:
Hereditary cancer-predisposing syndrome. Also called: Neoplastic Syndromes, Hereditary; Tumor predisposition; Hereditary Cancer Syndrome; Hereditary neoplastic syndrome. Identifiers: Orphanet 140162, MedGen C0027672, MeSH D009386, MONDO:0015356.

Submission:

Ambry Genetics
Classification: Uncertain significance for Hereditary cancer-predisposing syndrome. Last evaluated: 2025-05-23. Review status: criteria provided, single submitter. Criteria: Ambry Variant Classification Scheme 2023. Collection method: clinical testing. Allele origin: germline.
Comment: The p.K1630N variant (also known as c.4890G>T), located in coding exon 34 of the SMARCA4 gene, results from a G to T substitution at nucleotide position 4890. The lysine at codon 1630 is replaced by asparagine, an amino acid with similar properties. This amino acid position is highly conserved in available vertebrate species. In addition, this alteration is predicted to be tolerated by in silico analysis. Based on the available evidence, the clinical significance of this variant remains unclear.

NM_003072.5(SMARCA4):c.4794G>T (p.Lys1598Asn)

Gene: SMARCA4 (SWI/SNF related BAF chromatin remodeling complex subunit ATPase 4; plus strand). Cytogenetic location: 19p13.2.
Variant type: single nucleotide variant.
Coding change: c.4794G>T on transcript NM_003072.5 (MANE Select); coding-DNA position 4794, G replaced by T.
Protein change: p.Lys1598Asn; replaces lysine 1598 with asparagine.
Molecular consequence: missense variant. On other transcripts: non-coding transcript variant (1).
Genome position (GRCh38, 1-based): chr19:11,060,070, G>T. VCF-style: chr19-11060070-G-T. GRCh37 (hg19) VCF-style: chr19-11170746-G-T.
Other names: c.4794G>T, p.Lys1598Asn (NM_001128844.3); c.4704G>T, p.Lys1568Asn (NM_001128845.2); c.4701G>T, p.Lys1567Asn (NM_001128846.2); c.4695G>T, p.Lys1565Asn (NM_001128847.4, NM_001374457.1); c.4692G>T, p.Lys1564Asn (NM_001128848.2); c.4890G>T, p.Lys1630Asn (NM_001128849.3, NM_001387283.1); short protein forms K1630N, K1567N, K1568N, K1598N, K1564N, K1565N.
Identifiers: ClinVar variation 484981 (VCV000484981.6), dbSNP rs372408986, ClinGen allele CA404080369.